The following is an entry in ClinVar:

NM_001348743.2(KIDINS220):c.3932A>G (p.Ter1311=)

Gene: KIDINS220 (kinase D interacting substrate 220; minus strand). Cytogenetic location: 2p25.1.
Variant type: single nucleotide variant.
Coding change: c.3932A>G on transcript NM_001348743.2; coding-DNA position 3932, A replaced by G.
Protein change: p.Ter1311=.
Molecular consequence: synonymous variant. On other transcripts: non-coding transcript variant (2).
Genome position (GRCh38, 1-based): chr2:8,726,894, T>C on the plus strand (A>G on the coding strand, the complement: KIDINS220 is on the minus strand). VCF-style: chr2-8726894-T-C. GRCh37 (hg19) VCF-style: chr2-8867024-T-C.
Other names: c.4046A>G, p.Ter1349= (NM_001348738.2); c.3935A>G, p.Ter1312= (NM_001348739.2, NM_001348740.2); c.3932A>G, p.Ter1311= (NM_001348741.2, NM_001348742.2).
Identifiers: ClinVar variation 3353437 (VCV003353437.1).
Genomic context (GRCh38, chr2:8,726,894, plus strand): 5'-TCCTAACGTGGCATATGACTGCAGCTGACTTCGAAAACTAATTTTTTACATACCTTAGTT[T>C]AATCTGGATCCTCTGAAGAGCTATCTATCTCAAGGCCAGCATTTTCTTCCTAGGCATGAA-3'

ClinVar aggregate classification (germline): Likely benign (0 of 4 stars; one submission).

Conditions:
KIDINS220-related disorder. Also called: KIDINS220-related condition.

gnomAD v4.1: 1 of 1,288,466 alleles (0.000078%); highest among the groups gnomAD compares: Middle Eastern, 0.021%; no homozygotes.

Submission:

PreventionGenetics, part of Exact Sciences
Classification: Likely benign for KIDINS220-related condition. Last evaluated: 2022-08-05. Review status: no assertion criteria provided. Collection method: clinical testing. Allele origin: germline.
Comment: This variant is classified as likely benign based on ACMG/AMP sequence variant interpretation guidelines (Richards et al. 2015 PMID: 25741868, with internal and published modifications).